The following is an entry in ClinVar:

NM_002474.3(MYH11):c.3652-10_3652-9insT

Gene: MYH11 (myosin heavy chain 11; minus strand). Cytogenetic location: 16p13.11.
Variant type: Insertion.
Coding change: c.3652-10_3652-9insT on transcript NM_002474.3 (MANE Select); 10 bases into the intron before coding-DNA position 3652 through 9 bases into the intron before coding-DNA position 3652, T inserted.
Molecular consequence: intron variant.
Genome position: GRCh38 VCF-style: chr16-15727063-G-GA. GRCh37 (hg19) VCF-style: chr16-15820920-G-GA.
Other names: c.3652-10_3652-9insT (NM_022844.3); c.3673-10_3673-9insT (NM_001040114.2, NM_001040113.2).
Identifiers: ClinVar variation 628904 (VCV000628904.14), dbSNP rs773590187, ClinGen allele CA7921926.

ClinVar aggregate classification (germline): Benign/Likely benign. Review status: criteria provided, multiple submitters, no conflicts (2 of 4 stars). 5 submissions from 5 submitters: Benign (2); Likely benign (3). Last evaluated 2026-04-06.

Conditions:
Familial thoracic aortic aneurysm and aortic dissection (TAAD). Also called: Thoracic aortic aneurysms and dissections. Identifiers: Orphanet 91387, MedGen C4707243, MONDO:0019625.
Aortic aneurysm, familial thoracic 4 (AAT4). Also called: AORTIC ANEURYSM/AORTIC DISSECTION AND PATENT DUCTUS ARTERIOSUS. Identifiers: MedGen C1851504, MONDO:0007568, OMIM 132900.

Allele frequency attached by ClinVar (database versions not stated): ExAC 0.00002; gnomAD 0.00002; gnomAD exomes 0.00002; TOPMed 0.00002.

Submissions (5):

Women's Health and Genetics/Laboratory Corporation of America, LabCorp
Classification: Benign. Last evaluated: 2026-04-06. Review status: criteria provided, single submitter. Criteria: LabCorp Variant Classification Summary - May 2015. Collection method: clinical testing. Allele origin: germline.
Comment: Variant summary: MYH11 c.3673-10_3673-9insT is located at a position not widely known to affect splicing. Consensus agreement among computation tools predicts no significant impact on normal splicing. However, these predictions have yet to be confirmed by functional studies. The variant allele was found at a frequency of 2.3e-05 in 1605668 control chromosomes. The observed variant frequency exceeds the estimated maximal expected allele frequency for disease-causing variants in MYH11. To our knowledge, no occurrence of c.3673-10_3673-9insT in individuals affected with MYH11-related conditions and no experimental evidence demonstrating its impact on protein function have been reported. ClinVar contains an entry for this variant (Variation ID: 628904). Based on the evidence outlined above, the variant was classified as benign.

Labcorp Genetics (formerly Invitae), Labcorp
Classification: Likely benign for Aortic aneurysm, familial thoracic 4. Last evaluated: 2025-12-13. Review status: criteria provided, single submitter. Criteria: Invitae Variant Classification Sherloc (09022015). Collection method: clinical testing. Allele origin: germline.

Blueprint Genetics
Classification: Likely benign. Last evaluated: 2024-10-14. Review status: criteria provided, single submitter. Criteria: ACMG Guidelines, 2015. Collection method: clinical testing. Allele origin: germline.

Color Diagnostics, LLC DBA Color Health
Classification: Likely benign for Familial thoracic aortic aneurysm and aortic dissection. Last evaluated: 2018-07-22. Review status: criteria provided, single submitter. Criteria: ACMG Guidelines, 2015. Collection method: clinical testing. Allele origin: germline.

GeneDx
Classification: Benign. Last evaluated: 2015-11-16. Review status: criteria provided, single submitter. Criteria: GeneDx Variant Classification Process June 2021. Collection method: clinical testing. Allele origin: germline. Affected: yes.